The following is an entry in ClinVar:

ClinVar aggregate classification (germline): Conflicting classifications of pathogenicity. Review status: criteria provided, conflicting classifications (1 of 4 stars). 4 submissions from 4 submitters: Uncertain significance (2); Likely benign (1). 1 of the submissions does not count toward it. Last evaluated 2025-12-03.

Conditions:
Inborn genetic diseases. Identifiers: MedGen C0950123, MeSH D030342.
Intellectual disability. Also called: intellectual disabilities; Intellectual developmental disorder; Intellectual functioning disability. Identifiers: MedGen C3714756, MeSH D008607, MONDO:0001071, HP:0001249.

Allele frequency attached by ClinVar (database versions not stated): ExAC 0.00013; gnomAD exomes 0.00004 and 0.00010; gnomAD 0.00009 and 0.00011; TOPMed 0.00010.
gnomAD v4.1: 76 of 1,603,870 alleles (0.0047%); highest among the groups gnomAD compares: South Asian, 0.024%; 1 homozygote.

Submissions (5):

Ambry Genetics
Classification: Likely benign for Inborn genetic diseases. Last evaluated: 2025-12-03. Review status: criteria provided, single submitter. Criteria: Ambry Variant Classification Scheme 2023. Collection method: clinical testing. Allele origin: germline.

Labcorp Genetics (formerly Invitae), Labcorp
Classification: Uncertain significance. Last evaluated: 2025-08-21. Review status: criteria provided, single submitter. Criteria: Invitae Variant Classification Sherloc (09022015). Collection method: clinical testing. Allele origin: germline.
Comment: This sequence change replaces asparagine, which is neutral and polar, with serine, which is neutral and polar, at codon 497 of the CDK5RAP2 protein (p.Asn497Ser). This variant is present in population databases (rs375863465, gnomAD 0.03%). This variant has not been reported in the literature in individuals affected with CDK5RAP2-related conditions. ClinVar contains an entry for this variant (Variation ID: 975516). An algorithm developed to predict the effect of missense changes on protein structure and function outputs the following: PolyPhen-2: "Possibly Damaging". The serine amino acid residue is found in multiple mammalian species, which suggests that this missense change does not adversely affect protein function. In summary, the available evidence is currently insufficient to determine the role of this variant in disease. Therefore, it has been classified as a Variant of Uncertain Significance.

GeneDx
Classification: Uncertain significance. Last evaluated: 2024-01-09. Review status: criteria provided, single submitter. Criteria: GeneDx Variant Classification Process June 2021. Collection method: clinical testing. Allele origin: germline. Affected: yes.
Comment: In silico analysis supports that this missense variant does not alter protein structure/function; Has not been previously published as pathogenic or benign to our knowledge

Centre de Biologie Pathologie Génétique, Centre Hospitalier Universitaire de Lille
Classification: Likely benign for Intellectual disability. Last evaluated: 2019-01-01. Review status: no assertion criteria provided. Collection method: clinical testing. Allele origin: inherited. Affected: yes. Not counted in ClinVar's aggregate classification.

Dr. Peter K. Rogan Lab, Western University
No classification provided (evidence only). Condition: Ovarian serous cystadenocarcinoma. Review status: no classification provided. Collection method: in vitro. Allele origin: not applicable. Functional consequence: retained intron. Not counted in ClinVar's aggregate classification.

NM_018249.6(CDK5RAP2):c.1490A>G (p.Asn497Ser)

Gene: CDK5RAP2 (CDK5 regulatory subunit associated protein 2; minus strand). Cytogenetic location: 9q33.2.
Variant type: single nucleotide variant.
Coding change: c.1490A>G on transcript NM_018249.6 (MANE Select); coding-DNA position 1490, A replaced by G.
Protein change: p.Asn497Ser; replaces asparagine 497 with serine.
Molecular consequence: missense variant. On other transcripts: non-coding transcript variant (5).
Genome position (GRCh38, 1-based): chr9:120,487,430, T>C on the plus strand (A>G on the coding strand, the complement: CDK5RAP2 is on the minus strand). VCF-style: chr9-120487430-T-C. GRCh37 (hg19) VCF-style: chr9-123249708-T-C.
Other names: c.1490A>G, p.Asn497Ser (NM_001011649.3, NM_001272039.2); c.1490A>G (NM_018249.4); short protein forms N497S.
Identifiers: ClinVar variation 975516 (VCV000975516.6), dbSNP rs375863465, ClinGen allele CA5214359.